The following is an entry in ClinVar:

NM_000264.5(PTCH1):c.-24GGC[9]

Genes: PTCH1 (patched 1; minus strand), LOC130002133 (ATAC-STARR-seq lymphoblastoid silent region 20071; plus strand). Cytogenetic location: 9q22.32.
Variant type: Microsatellite.
Coding change: c.-24GGC[9] on transcript NM_000264.5 (MANE Select); nine copies in a row of the 3-base unit GGC starting at c.-24; the reference has seven copies in a row; two copies, 6 bases duplicated.
Molecular consequence: 5 prime UTR variant. On other transcripts: non-coding transcript variant (1), intron variant (3).
Genome position (GRCh38, 1-based): chr9:95,508,365-95,508,370, GCCGCC duplicated on the plus strand (GGCGGC on the coding strand, the reverse complement: PTCH1 is on the minus strand); duplicating any 6 consecutive bases within chr9:95,508,365-95,508,387 gives the same sequence; the position shown is the placement nearest the transcript's 3' end. VCF-style (leftmost placement, unchanged base first): chr9-95508364-T-TGCCGCC. GRCh37 (hg19) VCF-style: chr9-98270646-T-TGCCGCC.
Other names: c.-24GGC[9] (NM_001354918.2); c.199-1786GGC[9] (NM_001083603.3); c.4-1786GGC[9] (NM_001083602.3, NM_001354919.2); c.-9_-4dupGGCGGC (NM_000264.5).
Identifiers: ClinVar variation 255668 (VCV000255668.41), dbSNP rs71366293, ClinGen allele CA10587072.
Genomic context (GRCh38, chr9:95,508,364, plus strand): 5'-AGCCGCTGCCGCCGCCGCCGCGGTCCTGGGGCTCGGCGGCGTTACCAGCCGAGGCCATGT[T>TGCCGCC]GCCGCCGCCGCCGCCGCCGCCGCGGGGACGGAGGCTTCCCGGGCGGCCCGGCGCGCTGCT-3'

ClinVar aggregate classification (germline): Benign/Likely benign. Review status: criteria provided, multiple submitters, no conflicts (2 of 4 stars). 10 submissions from 10 submitters: Benign (6); Likely benign (4). Last evaluated 2025-12-29.

Conditions:
Hereditary cancer-predisposing syndrome. Also called: Tumor predisposition; Hereditary Cancer Syndrome; Neoplastic Syndromes, Hereditary; Hereditary neoplastic syndrome. Identifiers: Orphanet 140162, MedGen C0027672, MeSH D009386, MONDO:0015356.
Gorlin syndrome. Also called: Nevoid Basal Cell Carcinoma Syndrome; Basal cell nevus syndrome. Identifiers: Orphanet 377, MedGen C0004779, MONDO:0007187.

Submissions (10):

Center for Genomic Medicine, Rigshospitalet, Copenhagen University Hospital
Classification: Benign. Last evaluated: 2025-12-29. Review status: criteria provided, single submitter. Criteria: ACMG Guidelines, 2015. Collection method: clinical testing. Allele origin: germline.
Comment: Classification criteria: BA1, BP4

Women's Health and Genetics/Laboratory Corporation of America, LabCorp
Classification: Benign. Last evaluated: 2025-11-10. Review status: criteria provided, single submitter. Criteria: LabCorp Variant Classification Summary - May 2015. Collection method: clinical testing. Allele origin: germline.
Comment: Variant summary: PTCH1 c.-9_-4dupGGCGGC is located in the untranslated mRNA region upstream of the initiation codon. The variant allele was found at a frequency of 0.00096 in 1163802 control chromosomes, predominantly at a frequency of 0.011 within the Non-Finnish European subpopulation in the gnomAD database, including 4 homozygotes. The observed variant frequency within Non-Finnish European control individuals in the gnomAD database exceeds the estimated maximal expected allele frequency for disease-causing variants in PTCH1. To our knowledge, no occurrence of c.-9_-4dupGGCGGC in individuals affected with PTCH1-related conditions and no experimental evidence demonstrating its impact on protein function have been reported. ClinVar contains an entry for this variant (Variation ID: 255668). Based on the evidence outlined above, the variant was classified as benign.

Quest Diagnostics Nichols Institute San Juan Capistrano
Classification: Benign. Last evaluated: 2025-09-08. Review status: criteria provided, single submitter. Criteria: Quest Diagnostics criteria. Collection method: clinical testing. Allele origin: unknown.

Blueprint Genetics
Classification: Likely benign. Last evaluated: 2024-11-27. Review status: criteria provided, single submitter. Criteria: ACMG Guidelines, 2015. Collection method: clinical testing. Allele origin: germline.

CeGaT Center for Human Genetics Tuebingen
Classification: Benign. Last evaluated: 2023-02-01. Review status: criteria provided, single submitter. Criteria: CeGaT Center For Human Genetics Tuebingen Variant Classification Criteria Version 2. Collection method: clinical testing. Allele origin: germline. Affected: yes. Observed: 1 variant allele.
Comment: PTCH1: BP4, BS1, BS2

Ambry Genetics
Classification: Likely benign for Hereditary cancer-predisposing syndrome. Last evaluated: 2020-07-13. Review status: criteria provided, single submitter. Criteria: Ambry Variant Classification Scheme 2023. Collection method: clinical testing. Allele origin: germline.

Labcorp Genetics (formerly Invitae), Labcorp
Classification: Benign for Gorlin syndrome. Last evaluated: 2019-11-11. Review status: criteria provided, single submitter. Criteria: Invitae Variant Classification Sherloc (09022015). Collection method: clinical testing. Allele origin: germline.

Eurofins Ntd Llc (ga)
Classification: Likely benign. Last evaluated: 2016-12-03. Review status: criteria provided, single submitter. Criteria: EGL Classification Definitions 2015. Collection method: clinical testing. Allele origin: germline. Observed: 1 variant allele, 1 heterozygote.

GeneDx
Classification: Benign. Last evaluated: 2015-09-28. Review status: criteria provided, single submitter. Criteria: GeneDx Variant Classification Process June 2021. Collection method: clinical testing. Allele origin: germline. Affected: yes.

PreventionGenetics, part of Exact Sciences
Classification: Likely benign. Review status: criteria provided, single submitter. Criteria: ACMG Guidelines, 2015. Collection method: clinical testing. Allele origin: germline.